The following is an entry in ClinVar:

ClinVar aggregate classification (germline): Uncertain significance. Review status: criteria provided, multiple submitters, no conflicts (2 of 4 stars). 2 submissions from 2 submitters: Uncertain significance (2). Last evaluated 2025-02-10.

Conditions:
Long QT syndrome (LQTS). Identifiers: MedGen C0023976, MeSH D008133, MONDO:0002442. Disease mechanism: loss of function. Inheritance: Various modes of inheritance.

Submissions (2):

Revvity Omics, Revvity
Classification: Uncertain significance. Last evaluated: 2025-02-10. Review status: criteria provided, single submitter. Criteria: ACMG Guidelines, 2015. Collection method: clinical testing. Allele origin: germline.

Labcorp Genetics (formerly Invitae), Labcorp
Classification: Uncertain significance for Long QT syndrome. Last evaluated: 2020-04-30. Review status: criteria provided, single submitter. Criteria: Invitae Variant Classification Sherloc (09022015). Collection method: clinical testing. Allele origin: germline.
Comment: In summary, the available evidence is currently insufficient to determine the role of this variant in disease. Therefore, it has been classified as a Variant of Uncertain Significance. Algorithms developed to predict the effect of missense changes on protein structure and function are either unavailable or do not agree on the potential impact of this missense change (SIFT: "Deleterious"; PolyPhen-2: "Possibly Damaging"; Align-GVGD: "Class C0"). This variant has not been reported in the literature in individuals with ANK2-related conditions. This variant is not present in population databases (ExAC no frequency). This sequence change replaces asparagine with isoleucine at codon 2702 of the ANK2 protein (p.Asn2702Ile). The asparagine residue is weakly conserved and there is a large physicochemical difference between asparagine and isoleucine.

NM_001148.6(ANK2):c.8105A>T (p.Asn2702Ile)

Gene: ANK2 (ankyrin 2; plus strand). Cytogenetic location: 4q26.
Variant type: single nucleotide variant.
Coding change: c.8105A>T on transcript NM_001148.6 (MANE Select); coding-DNA position 8105, A replaced by T.
Protein change: p.Asn2702Ile; replaces asparagine 2702 with isoleucine.
Molecular consequence: missense variant. On other transcripts: intron variant (68).
Genome position (GRCh38, 1-based): chr4:113,356,723, A>T. VCF-style: chr4-113356723-A-T. GRCh37 (hg19) VCF-style: chr4-114277879-A-T.
Other names: c.7871A>T, p.Asn2624Ile (NM_001386142.1); c.4505A>T, p.Asn1502Ile (NM_001386166.1); c.8246A>T, p.Asn2749Ile (NM_001386174.1); c.8222A>T, p.Asn2741Ile (NM_001386175.1); c.4412-4100A>T (NM_001386186.2, NM_001386148.2); c.4214-4100A>T (NM_001354269.3); c.4292-4100A>T (NM_001386187.2); c.4253-4100A>T (NM_001386147.1); and 35 more; short protein forms N1502I, N2624I, N2702I, N2741I, N2749I.
Identifiers: ClinVar variation 1002490 (VCV001002490.6), dbSNP rs748404965, ClinGen allele CA357933045.